The following is an entry in ClinVar:

NM_014874.4(MFN2):c.285G>C (p.Arg95Ser)

Gene: MFN2 (mitofusin 2; plus strand). Cytogenetic location: 1p36.22.
Variant type: single nucleotide variant.
Coding change: c.285G>C on transcript NM_014874.4 (MANE Select); coding-DNA position 285, G replaced by C.
Protein change: p.Arg95Ser; replaces arginine 95 with serine.
Molecular consequence: missense variant.
Genome position (GRCh38, 1-based): chr1:11,992,664, G>C. VCF-style: chr1-11992664-G-C. GRCh37 (hg19) VCF-style: chr1-12052721-G-C.
Other names: c.285G>C, p.Arg95Ser (NM_001127660.2); short protein forms R95S.
Identifiers: ClinVar variation 476770 (VCV000476770.10), dbSNP rs1553141686, ClinGen allele CA338462189.

ClinVar aggregate classification (germline): Pathogenic (1 of 4 stars; one submission).

Conditions:
Charcot-Marie-Tooth disease type 2. Also called: Charcot-Marie-Tooth type 2. Identifiers: Orphanet 64746, MedGen C0270914, MONDO:0018993.

Submission:

Labcorp Genetics (formerly Invitae), Labcorp
Classification: Pathogenic for Charcot-Marie-Tooth disease type 2. Last evaluated: 2023-07-17. Review status: criteria provided, single submitter. Criteria: Invitae Variant Classification Sherloc (09022015). Collection method: clinical testing. Allele origin: germline.
Comment: ClinVar contains an entry for this variant (Variation ID: 476770). This sequence change replaces arginine, which is basic and polar, with serine, which is neutral and polar, at codon 95 of the MFN2 protein (p.Arg95Ser). This variant is not present in population databases (gnomAD no frequency). This missense change has been observed in individual(s) with clinical features of Charcot-Marie-Tooth disease (Invitae). In at least one individual the variant was observed to be de novo. Advanced modeling of protein sequence and biophysical properties (such as structural, functional, and spatial information, amino acid conservation, physicochemical variation, residue mobility, and thermodynamic stability) performed at Invitae indicates that this missense variant is expected to disrupt MFN2 protein function. This variant disrupts the p.Arg95 amino acid residue in MFN2. Other variant(s) that disrupt this residue have been determined to be pathogenic (PMID: 30642740; Invitae). This suggests that this residue is clinically significant, and that variants that disrupt this residue are likely to be disease-causing. For these reasons, this variant has been classified as Pathogenic.

Literature cited by the submitters: PubMed 30642740.